The following is an entry in ClinVar:

NM_000051.4(ATM):c.8787-12G>A

Genes: ATM (ATM serine/threonine kinase; plus strand), C11orf65 (chromosome 11 open reading frame 65; minus strand). Cytogenetic location: 11q22.3.
Variant type: single nucleotide variant.
Coding change: c.8787-12G>A on transcript NM_000051.4 (MANE Select); 12 bases into the intron before coding-DNA position 8787, G replaced by A.
Molecular consequence: intron variant.
Genome position (GRCh38, 1-based): chr11:108,354,799, G>A. VCF-style: chr11-108354799-G-A. GRCh37 (hg19) VCF-style: chr11-108225526-G-A.
Other names: c.8787-12G>A (NM_001351834.2); c.640+31121C>T (NM_001330368.2); c.695-19507C>T (NM_001351110.2).
Identifiers: ClinVar variation 3254081 (VCV003254081.1), dbSNP rs1565582204.

ClinVar aggregate classification (germline): Likely benign (1 of 4 stars; one submission).

Conditions:
Familial cancer of breast. Also called: hereditary breast carcinoma; BREAST CANCER, FAMILIAL; Hereditary breast cancer. Identifiers: Orphanet 227535, MedGen C0346153, MONDO:0016419, OMIM 114480. Disease mechanism: loss of function.

Submission:

Myriad Genetics, Inc.
Classification: Likely benign for Familial cancer of breast. Last evaluated: 2024-06-21. Review status: criteria provided, single submitter. Criteria: Myriad Autosomal Dominant, Autosomal Recessive and X-Linked Classification Criteria (2023). Collection method: clinical testing. Allele origin: unknown.
Comment: This variant is considered likely benign. This variant is intronic and is not expected to impact mRNA splicing.